The following is an entry in ClinVar:

ClinVar aggregate classification (germline): Benign (1 of 4 stars; one submission).

Allele frequency attached by ClinVar (database versions not stated): gnomAD exomes 0.00016; TOPMed 0.00134; gnomAD 0.00141; 1000 Genomes Project 30x 0.00484; 1000 Genomes Project 0.00519.
gnomAD v4.1: 255 of 398,676 alleles (0.064%); highest among the groups gnomAD compares: African/African-American, 0.49%; no homozygotes.

Submission:

CeGaT Center for Human Genetics Tuebingen
Classification: Benign. Last evaluated: 2024-07-01. Review status: criteria provided, single submitter. Criteria: CeGaT Center For Human Genetics Tuebingen Variant Classification Criteria Version 2. Collection method: clinical testing. Allele origin: germline. Affected: yes. Observed: 1 variant allele.
Comment: KCNQ1OT1: BS1, BS2

NM_000218.3(KCNQ1):c.1514+5934C>T

Genes: KCNQ1 (potassium voltage-gated channel subfamily Q member 1; plus strand), KCNQ1OT1 (KCNQ1 opposite strand/antisense transcript 1; minus strand). Cytogenetic location: 11p15.5.
Variant type: single nucleotide variant.
Coding change: c.1514+5934C>T on transcript NM_000218.3 (MANE Select); 5934 bases into the intron after coding-DNA position 1514, C replaced by T.
Molecular consequence: intron variant. On other transcripts: non-coding transcript variant (1).
Genome position (GRCh38, 1-based): chr11:2,668,015, C>T. VCF-style: chr11-2668015-C-T. GRCh37 (hg19) VCF-style: chr11-2689245-C-T.
Other names: c.1244+5934C>T (NM_001406837.1); c.1418+5934C>T (NM_001406836.1); c.974+5934C>T (NM_001406838.1); c.1133+5934C>T (NM_181798.2).
Identifiers: ClinVar variation 3250914 (VCV003250914.18), dbSNP rs111838673.